The following is an entry in ClinVar:

ClinVar aggregate classification (germline): Uncertain significance (1 of 4 stars; one submission).

Conditions:
Hyper-IgE recurrent infection syndrome 3, autosomal recessive. Also called: Autosomal recessive hyper-IgE syndrome due to ZNF341 deficiency; HYPER-IgE SYNDROME 3, AUTOSOMAL RECESSIVE, WITH RECURRENT INFECTIONS. Identifiers: Orphanet 641368, MedGen C4748969, MONDO:0032654, OMIM 618282.

Allele frequency attached by ClinVar (database versions not stated): gnomAD 0.00001; gnomAD exomes 0.00001; TOPMed 0.00001.
gnomAD v4.1: 12 of 1,590,140 alleles (0.00075%); highest among the groups gnomAD compares: Non-Finnish European, 0.001%; no homozygotes.

Submission:

Labcorp Genetics (formerly Invitae), Labcorp
Classification: Uncertain significance for Combined immunodeficiency due to DOCK8 deficiency. Last evaluated: 2022-01-05. Review status: criteria provided, single submitter. Criteria: Invitae Variant Classification Sherloc (09022015). Collection method: clinical testing. Allele origin: germline.
Comment: In summary, the available evidence is currently insufficient to determine the role of this variant in disease. Therefore, it has been classified as a Variant of Uncertain Significance. Algorithms developed to predict the effect of sequence changes on RNA splicing suggest that this variant may create or strengthen a splice site. Algorithms developed to predict the effect of missense changes on protein structure and function are either unavailable or do not agree on the potential impact of this missense change (SIFT: "Deleterious"; PolyPhen-2: "Benign"; Align-GVGD: "Class C0"). This variant has not been reported in the literature in individuals affected with DOCK8-related conditions. This variant is present in population databases (no rsID available, gnomAD 0.001%). This sequence change replaces lysine, which is basic and polar, with glutamine, which is neutral and polar, at codon 15 of the DOCK8 protein (p.Lys15Gln).

NM_203447.4(DOCK8):c.43A>C (p.Lys15Gln)

Genes: DOCK8 (dedicator of cytokinesis 8; plus strand), DOCK8-AS1 (DOCK8 antisense RNA 1; minus strand), LOC130001437 (ATAC-STARR-seq lymphoblastoid silent region 19722; plus strand). Cytogenetic location: 9p24.3.
Variant type: single nucleotide variant.
Coding change: c.43A>C on transcript NM_203447.4 (MANE Select); coding-DNA position 43, A replaced by C.
Protein change: p.Lys15Gln; replaces lysine 15 with glutamine.
Molecular consequence: missense variant. On other transcripts: non-coding transcript variant (1).
Genome position (GRCh38, 1-based): chr9:215,019, A>C. VCF-style: chr9-215019-A-C. GRCh37 (hg19) VCF-style: chr9-215019-A-C.
Other names: short protein forms K15Q.
Identifiers: ClinVar variation 2185070 (VCV002185070.2), dbSNP rs1219439848, ClinGen allele CA372755781.